The following is an entry in ClinVar:

NM_007294.4(BRCA1):c.1595_1601del (p.Ile532fs)

Gene: BRCA1 (BRCA1 DNA repair associated; minus strand). Cytogenetic location: 17q21.31.
Variant type: Deletion.
Coding change: c.1595_1601del on transcript NM_007294.4 (MANE Select); coding-DNA positions 1595 to 1601, 7 bases deleted (TAAATCA; older notation c.1595_1601delTAAATCA).
Protein change: p.Ile532fs; shifts the reading frame from isoleucine 532.
Molecular consequence: frameshift variant. On other transcripts: intron variant (137).
Genome position (GRCh38, 1-based): chr17:43,093,930-43,093,936, TGATTTA deleted on the plus strand (TAAATCA on the coding strand, the reverse complement: BRCA1 is on the minus strand); deleting any 7 consecutive bases within chr17:43,093,930-43,093,937 gives the same sequence; the c. name uses the placement nearest the transcript's 3' end. VCF-style (leftmost placement, unchanged base first): chr17-43093929-CTGATTTA-C. GRCh37 (hg19) VCF-style: chr17-41245946-CTGATTTA-C.
Other names: c.1595_1601delTAAATCA (NM_007294.3); c.643+808_643+814del (NM_001408465.1, NM_001408463.1, NM_001408462.1 and 3 more transcripts); c.577+808_577+814del (NM_001408482.1, NM_001408484.1, NM_001408478.1 and 9 more transcripts); c.520+808_520+814del (NM_001408504.1, NM_001408503.1, NM_001408505.1); c.523+808_523+814del (NM_001408499.1, NM_001408498.1, NM_001408501.1 and 3 more transcripts); c.670+1910_670+1916del (NM_001408422.1, NM_001408418.1, NM_001408423.1 and 2 more transcripts); c.706+808_706+814del (NM_001408416.1, NM_001408413.1); c.661+808_661+814del (NM_001408450.1, NM_001408434.1, NM_001408447.1 and 6 more transcripts); and 41 more; short protein forms I485fs, I532fs, I236fs, I404fs, I405fs, I462fs, I491fs, I505fs.
Identifiers: ClinVar variation 54302 (VCV000054302.3), dbSNP rs397508888, ClinGen allele CA001060.

ClinVar aggregate classification (germline): Pathogenic. Review status: reviewed by expert panel (3 of 4 stars). 2 submissions from 2 submitters: Pathogenic (1). 1 of the submissions does not count toward it. Last evaluated 2017-12-15.

Conditions:
Breast-ovarian cancer, familial, susceptibility to, 1 (BROVCA1). Also called: OVARIAN CANCER, SUSCEPTIBILITY TO; BRCA1 Hereditary Breast and Ovarian Cancer. Identifiers: Orphanet 145, MedGen C2676676, MONDO:0011450, OMIM 604370. Disease mechanism: loss of function.
Familial cancer of breast. Also called: Hereditary breast cancer; hereditary breast carcinoma; BREAST CANCER, FAMILIAL. Identifiers: Orphanet 227535, MedGen C0346153, MONDO:0016419, OMIM 114480. Disease mechanism: loss of function.

Submissions (2):

Evidence-based Network for the Interpretation of Germline Mutant Alleles (ENIGMA)
Classification: Pathogenic for Breast-ovarian cancer, familial, susceptibility to, 1. Last evaluated: 2017-12-15. Review status: reviewed by expert panel. Criteria: ENIGMA BRCA1/2 Classification Criteria (2017-06-29). Collection method: curation. Allele origin: germline. Study: ENIGMA.
Comment: Variant allele predicted to encode a truncated non-functional protein.

ClinVar Staff, National Center for Biotechnology Information (NCBI)
No classification provided. Condition: Familial cancer of breast. Review status: no classification provided. Collection method: literature only. Allele origin: germline. Affected: yes. Not counted in ClinVar's aggregate classification.

Literature cited by the submitters: PubMed 12698193 (cited by ClinVar Staff, National Center for Biotechnology Information (NCBI)).